The following is an entry in ClinVar:

NM_004304.5(ALK):c.1768T>G (p.Leu590Val)

Gene: ALK (ALK receptor tyrosine kinase; minus strand). Cytogenetic location: 2p23.2.
Variant type: single nucleotide variant.
Coding change: c.1768T>G on transcript NM_004304.5 (MANE Select); coding-DNA position 1768, T replaced by G.
Protein change: p.Leu590Val; replaces leucine 590 with valine.
Molecular consequence: missense variant.
Genome position (GRCh38, 1-based): chr2:29,296,937, A>C on the plus strand (T>G on the coding strand, the complement: ALK is on the minus strand). VCF-style: chr2-29296937-A-C. GRCh37 (hg19) VCF-style: chr2-29519803-A-C.
Other names: short protein forms L590V.
Identifiers: ClinVar variation 2624795 (VCV002624795.2), dbSNP rs780754371, ClinGen allele CA346466052.

ClinVar aggregate classification (germline): Uncertain significance (1 of 4 stars; one submission).

Conditions:
Hereditary cancer-predisposing syndrome. Also called: Tumor predisposition; Hereditary Cancer Syndrome; Hereditary neoplastic syndrome; Neoplastic Syndromes, Hereditary. Identifiers: Orphanet 140162, MedGen C0027672, MeSH D009386, MONDO:0015356.

gnomAD v4.1: 1 of 1,614,192 alleles (0.000062%); highest among the groups gnomAD compares: Non-Finnish European, 0.000085%; no homozygotes.

Submission:

Ambry Genetics
Classification: Uncertain significance for Hereditary cancer-predisposing syndrome. Last evaluated: 2023-07-27. Review status: criteria provided, single submitter. Criteria: Ambry Variant Classification Scheme 2023. Collection method: clinical testing. Allele origin: germline.
Comment: The p.L590V variant (also known as c.1768T>G), located in coding exon 9 of the ALK gene, results from a T to G substitution at nucleotide position 1768. The leucine at codon 590 is replaced by valine, an amino acid with highly similar properties. This amino acid position is conserved. In addition, this alteration is predicted to be tolerated by in silico analysis. Since supporting evidence is limited at this time, the clinical significance of this alteration remains unclear.